The following is an entry in ClinVar:

ClinVar aggregate classification (germline): Uncertain significance (1 of 4 stars; one submission).

Conditions:
Familial thoracic aortic aneurysm and aortic dissection (TAAD). Also called: Thoracic aortic aneurysms and dissections. Identifiers: Orphanet 91387, MedGen C4707243, MONDO:0019625.

Submission:

Color Diagnostics, LLC DBA Color Health
Classification: Uncertain significance for Familial thoracic aortic aneurysm and aortic dissection. Last evaluated: 2024-03-06. Review status: criteria provided, single submitter. Criteria: ACMG Guidelines, 2015. Collection method: clinical testing. Allele origin: germline.
Comment: This missense variant replaces asparagine with aspartic acid at codon 218 of the SMAD3 protein. Computational prediction tool suggests that this variant may not impact protein structure and function (internally defined REVEL score threshold <=0.5, PMID: 27666373). Splice site prediction tools suggest that this variant may not impact RNA splicing. To our knowledge, functional studies have not been performed for this variant. This variant has not been reported in individuals affected with cardiovascular disorders in the literature. This variant has not been identified in the general population by the Genome Aggregation Database (gnomAD). The available evidence is insufficient to determine the role of this variant in disease conclusively. Therefore, this variant is classified as a Variant of Uncertain Significance.

NM_005902.4(SMAD3):c.652A>G (p.Asn218Asp)

Gene: SMAD3 (SMAD family member 3; plus strand). Cytogenetic location: 15q22.33.
Variant type: single nucleotide variant.
Coding change: c.652A>G on transcript NM_005902.4 (MANE Select); coding-DNA position 652, A replaced by G.
Protein change: p.Asn218Asp; replaces asparagine 218 with aspartic acid.
Molecular consequence: missense variant.
Genome position (GRCh38, 1-based): chr15:67,170,598, A>G. VCF-style: chr15-67170598-A-G. GRCh37 (hg19) VCF-style: chr15-67462936-A-G.
Other names: c.337A>G, p.Asn113Asp (NM_001145102.2); c.520A>G, p.Asn174Asp (NM_001145103.2); c.67A>G, p.Asn23Asp (NM_001145104.2); short protein forms N113D, N174D, N23D, N218D.
Identifiers: ClinVar variation 923462 (VCV000923462.4), dbSNP rs1962722777, ClinGen allele CA392955076.